The following is an entry in ClinVar:

NM_054012.4(ASS1):c.495+1G>T

Gene: ASS1 (argininosuccinate synthase 1; plus strand). Cytogenetic location: 9q34.11.
Variant type: single nucleotide variant.
Coding change: c.495+1G>T on transcript NM_054012.4 (MANE Select); the canonical splice donor site of the intron after coding-DNA position 495, G replaced by T.
Molecular consequence: splice donor variant.
Genome position (GRCh38, 1-based): chr9:130,466,800, G>T. VCF-style: chr9-130466800-G-T. GRCh37 (hg19) VCF-style: chr9-133342187-G-T.
Other names: c.495+1G>T (NM_000050.4).
Identifiers: ClinVar variation 946916 (VCV000946916.11), dbSNP rs1845754405, ClinGen allele CA375226533.
Genomic context (GRCh38, chr9:130,466,800, plus strand): 5'-AGGATGCCTGAATTCTACAACCGGTTCAAGGGCCGCAATGACCTGATGGAGTACGCAAAG[G>T]TATGGCCGAGTCTCCCCACCACCCCCAACCTTTCCCTATAGCCCCCTTCCCGGGCACGTC-3'

ClinVar aggregate classification (germline): Likely pathogenic (1 of 4 stars; one submission).

Conditions:
Citrullinemia. Identifiers: Orphanet 187, MedGen C0175683, MONDO:0015991.

gnomAD v4.1: 5 of 1,613,970 alleles (0.00031%); highest among the groups gnomAD compares: Non-Finnish European, 0.00042%; no homozygotes.

Submissions (2):

Labcorp Genetics (formerly Invitae), Labcorp
Classification: Likely pathogenic for Citrullinemia. Last evaluated: 2019-07-11. Review status: criteria provided, single submitter. Criteria: Invitae Variant Classification Sherloc (09022015). Collection method: clinical testing. Allele origin: germline.
Comment: This variant is not present in population databases (ExAC no frequency). This sequence change affects a donor splice site in intron 7 of the ASS1 gene. It is expected to disrupt RNA splicing and likely results in an absent or disrupted protein product. This variant has been observed in an individual affected with citrullinemia and for whom no second allele was reported (PMID: 19006241). In summary, the currently available evidence indicates that the variant is pathogenic, but additional data are needed to prove that conclusively. Therefore, this variant has been classified as Likely Pathogenic. Donor and acceptor splice site variants typically lead to a loss of protein function (PMID: 16199547), and loss-of-function variants in ASS1 are known to be pathogenic (PMID: 18473344, 19006241). Algorithms developed to predict the effect of sequence changes on RNA splicing suggest that this variant may disrupt the consensus splice site, but this prediction has not been confirmed by published transcriptional studies.

Dr. Peter K. Rogan Lab, Western University
No classification provided (evidence only). Condition: Papillary renal cell carcinoma type 1. Review status: no classification provided. Collection method: in vitro. Allele origin: not applicable. Functional consequence: skipped exon. Not counted in ClinVar's aggregate classification.

Literature cited by the submitters: PubMed 19006241 (cited by Labcorp Genetics (formerly Invitae), Labcorp); PubMed 16199547 (cited by Labcorp Genetics (formerly Invitae), Labcorp); PubMed 18473344 (cited by Labcorp Genetics (formerly Invitae), Labcorp).